The following is an entry in ClinVar:

ClinVar aggregate classification (germline): VUS-high (1 of 4 stars; one submission).

Conditions:
Intellectual developmental disorder, autosomal recessive 13. Also called: Intellectual disability, autosomal recessive 13. Identifiers: Orphanet 88616, MedGen C2750791, MONDO:0013173, OMIM 613192.

Submission:

Department of Molecular Genetics, Istishari Arab Hospital
Classification: VUS-high for Intellectual developmental disorder, autosomal recessive 13. Last evaluated: 2026-09-30. Review status: criteria provided, single submitter. Criteria: ACMG Guidelines, 2015. Collection method: clinical testing. Allele origin: germline. Affected: yes.
Comment: The TRAPPC9 variant c.3352_3355del, p.Ile1118GlyfsTer113 causes a frameshift in the last exon of this transcript. It is predicted to replace the normal C-terminal amino acid sequence with a novel sequence and produce a C-terminal extension, with termination 113 codons after the frameshift. To the best of our knowledge, this variant has not previously been reported in the literature. It is classified as a variant of uncertain significance based on the implementation of the ACMG/AMP/ClinGen SVI guidelines.

NM_001160372.4(TRAPPC9):c.3352_3355del (p.Ile1118fs)

Gene: TRAPPC9 (trafficking protein particle complex subunit 9; minus strand). Cytogenetic location: 8q24.3.
Variant type: Deletion.
Coding change: c.3352_3355del on transcript NM_001160372.4 (MANE Select); coding-DNA positions 3352 to 3355, 4 bases deleted (ATCC; older notation c.3352_3355delATCC).
Protein change: p.Ile1118fs; shifts the reading frame from isoleucine 1118.
Molecular consequence: frameshift variant. On other transcripts: non-coding transcript variant (1).
Genome position (GRCh38, 1-based): chr8:139,731,153-139,731,156, GGAT deleted on the plus strand (ATCC on the coding strand, the reverse complement: TRAPPC9 is on the minus strand); deleting any 4 consecutive bases within chr8:139,731,153-139,731,157 gives the same sequence; the c. name uses the placement nearest the transcript's 3' end. VCF-style (leftmost placement, unchanged base first): chr8-139731152-CGGAT-C. GRCh37 (hg19) VCF-style: chr8-140743395-CGGAT-C.
Other names: p.Ile1118GlyfsTer113; c.3325_3328del, p.Ile1109fs (NM_001321646.2); c.3373_3376del, p.Ile1125fs (NM_001374682.1); c.3241_3244del, p.Ile1081fs (NM_001374683.1); c.3208_3211del, p.Ile1070fs (NM_001374684.1); c.3352_3355del, p.Ile1118fs (NM_031466.8); short protein forms I1070fs, I1081fs, I1109fs, I1118fs, I1125fs.
Identifiers: ClinVar variation 5010264 (VCV005010264.1).